The following is an entry in ClinVar:

NM_001103.4(ACTN2):c.190G>A (p.Glu64Lys)

Gene: ACTN2 (actinin alpha 2; plus strand). Cytogenetic location: 1q43.
Variant type: single nucleotide variant.
Coding change: c.190G>A on transcript NM_001103.4 (MANE Select); coding-DNA position 190, G replaced by A.
Protein change: p.Glu64Lys; replaces glutamic acid 64 with lysine.
Molecular consequence: missense variant. On other transcripts: 5 prime UTR variant (1).
Genome position (GRCh38, 1-based): chr1:236,717,921, G>A. VCF-style: chr1-236717921-G-A. GRCh37 (hg19) VCF-style: chr1-236881221-G-A.
Other names: c.190G>A, p.Glu64Lys (NM_001278343.2); c.-632G>A (NM_001278344.2); short protein forms E64K.
Identifiers: ClinVar variation 1372068 (VCV001372068.8), dbSNP rs2102893489, ClinGen allele CA345373314.
Genomic context (GRCh38, chr1:236,717,921, plus strand): 5'-TTCACTGCCTGGTGTAACTCCCACCTAAGGAAAGCCGGCACCCAGATTGAGAACATCGAG[G>A]AAGACTTCAGGAATGGCCTTAAGCTCATGCTGCTTTTGGAAGTCATCTCAGGTTGGTGTT-3'
Protein context (NP_001094.1, residues 54-74): KAGTQIENIE[Glu64Lys]DFRNGLKLML

ClinVar aggregate classification (germline): Uncertain significance (1 of 4 stars; one submission).

Conditions:
Dilated cardiomyopathy 1AA (CMD1AA). Also called: CARDIOMYOPATHY, DILATED, 1AA, WITH OR WITHOUT LEFT VENTRICULAR NONCOMPACTION; CARDIOMYOPATHY, FAMILIAL HYPERTROPHIC, 23, WITH OR WITHOUT LEFT VENTRICULAR NONCOMPACTION; Cardiomyopathy, dilated, 1AA, with or without LVNC. Identifiers: Orphanet 154, MedGen C2677338, MONDO:0012808, OMIM 612158.
Primary familial hypertrophic cardiomyopathy (HCM). Identifiers: Orphanet 99739, MedGen C0949658, MeSH D024741, MONDO:0024573. Inheritance: Various modes of inheritance.

gnomAD v4.1: 1 of 1,614,128 alleles (0.000062%); no homozygotes.

Submission:

Labcorp Genetics (formerly Invitae), Labcorp
Classification: Uncertain significance for Primary familial hypertrophic cardiomyopathy; Dilated cardiomyopathy 1AA. Last evaluated: 2023-05-08. Review status: criteria provided, single submitter. Criteria: Invitae Variant Classification Sherloc (09022015). Collection method: clinical testing. Allele origin: germline.
Comment: In summary, the available evidence is currently insufficient to determine the role of this variant in disease. Therefore, it has been classified as a Variant of Uncertain Significance. Advanced modeling of protein sequence and biophysical properties (such as structural, functional, and spatial information, amino acid conservation, physicochemical variation, residue mobility, and thermodynamic stability) performed at Invitae indicates that this missense variant is not expected to disrupt ACTN2 protein function. ClinVar contains an entry for this variant (Variation ID: 1372068). This variant has not been reported in the literature in individuals affected with ACTN2-related conditions. This variant is not present in population databases (gnomAD no frequency). This sequence change replaces glutamic acid, which is acidic and polar, with lysine, which is basic and polar, at codon 64 of the ACTN2 protein (p.Glu64Lys).